The following is an entry in ClinVar:

ClinVar aggregate classification (germline): Uncertain significance (1 of 4 stars; one submission).

Conditions:
Immunodeficiency 39 (IMD39). Identifiers: Orphanet 574918, MedGen C4225358, MONDO:0014597, OMIM 616345.

Allele frequency attached by ClinVar (database versions not stated): ExAC 0.00001; gnomAD exomes 0.00001; gnomAD 0.00002.
gnomAD v4.1: 23 of 1,612,946 alleles (0.0014%); highest among the groups gnomAD compares: Middle Eastern, 0.066%; no homozygotes.

Submission:

Labcorp Genetics (formerly Invitae), Labcorp
Classification: Uncertain significance for Immunodeficiency 39. Last evaluated: 2023-08-04. Review status: criteria provided, single submitter. Criteria: Invitae Variant Classification Sherloc (09022015). Collection method: clinical testing. Allele origin: germline.
Comment: In summary, the available evidence is currently insufficient to determine the role of this variant in disease. Therefore, it has been classified as a Variant of Uncertain Significance. This sequence change replaces proline, which is neutral and non-polar, with alanine, which is neutral and non-polar, at codon 224 of the IRF7 protein (p.Pro224Ala). This variant is present in population databases (rs776150762, gnomAD 0.01%). This variant has not been reported in the literature in individuals affected with IRF7-related conditions. ClinVar contains an entry for this variant (Variation ID: 2139593). Advanced modeling of protein sequence and biophysical properties (such as structural, functional, and spatial information, amino acid conservation, physicochemical variation, residue mobility, and thermodynamic stability) performed at Invitae indicates that this missense variant is not expected to disrupt IRF7 protein function.

NM_001572.5(IRF7):c.631C>G (p.Pro211Ala)

Gene: IRF7 (interferon regulatory factor 7; minus strand). Cytogenetic location: 11p15.5.
Variant type: single nucleotide variant.
Coding change: c.631C>G on transcript NM_001572.5 (MANE Select); coding-DNA position 631, C replaced by G.
Protein change: p.Pro211Ala; replaces proline 211 with alanine.
Molecular consequence: missense variant.
Genome position (GRCh38, 1-based): chr11:614,222, G>C on the plus strand (C>G on the coding strand, the complement: IRF7 is on the minus strand). VCF-style: chr11-614222-G-C. GRCh37 (hg19) VCF-style: chr11-614222-G-C.
Other names: c.631C>G, p.Pro211Ala (NM_004029.4); c.670C>G, p.Pro224Ala (NM_004031.4); short protein forms P224A, P211A.
Identifiers: ClinVar variation 2139593 (VCV002139593.4), dbSNP rs776150762, ClinGen allele CA5783885.